The following is an entry in ClinVar:

NM_014795.4(ZEB2):c.1364del (p.Ser455fs)

Gene: ZEB2 (zinc finger E-box binding homeobox 2; minus strand). Cytogenetic location: 2q22.3.
Variant type: Deletion.
Coding change: c.1364del on transcript NM_014795.4 (MANE Select); coding-DNA position 1364, one base deleted (G; older notation c.1364delG).
Protein change: p.Ser455fs; shifts the reading frame from serine 455.
Molecular consequence: frameshift variant.
Genome position (GRCh38, 1-based): chr2:144,399,823, C deleted on the plus strand (G on the coding strand, the reverse complement: ZEB2 is on the minus strand). VCF-style (leftmost placement, unchanged base first): chr2-144399822-AC-A. GRCh37 (hg19) VCF-style: chr2-145157389-AC-A.
Other names: c.1292del, p.Ser431fs (NM_001171653.2); short protein forms S455fs, S431fs.
Identifiers: ClinVar variation 2135124 (VCV002135124.4), dbSNP rs2549106896, ClinGen allele CA2580063870.

ClinVar aggregate classification (germline): Pathogenic (1 of 4 stars; one submission).

Conditions:
Mowat-Wilson syndrome (MOWS). Also called: Classic Mowat-Wilson Syndrome. Identifiers: Orphanet 2152, MedGen C1856113, MONDO:0009341, OMIM 235730.

Submission:

Labcorp Genetics (formerly Invitae), Labcorp
Classification: Pathogenic for Mowat-Wilson syndrome. Last evaluated: 2022-05-07. Review status: criteria provided, single submitter. Criteria: Invitae Variant Classification Sherloc (09022015). Collection method: clinical testing. Allele origin: germline.
Comment: This sequence change creates a premature translational stop signal (p.Ser455Ilefs*3) in the ZEB2 gene. It is expected to result in an absent or disrupted protein product. Loss-of-function variants in ZEB2 are known to be pathogenic (PMID: 16053902). For these reasons, this variant has been classified as Pathogenic. This variant has not been reported in the literature in individuals affected with ZEB2-related conditions. This variant is not present in population databases (gnomAD no frequency).

Literature cited by the submitters: PubMed 16053902.